The following is an entry in ClinVar:

ClinVar aggregate classification (germline): Uncertain significance (1 of 4 stars; one submission).

Allele frequency attached by ClinVar (database versions not stated): TOPMed below 0.00001.
gnomAD v4.1: 2 of 1,456,122 alleles (0.00014%); highest among the groups gnomAD compares: Admixed American, 0.0049%; no homozygotes.

Submission:

Labcorp Genetics (formerly Invitae), Labcorp
Classification: Uncertain significance. Last evaluated: 2023-02-09. Review status: criteria provided, single submitter. Criteria: Invitae Variant Classification Sherloc (09022015). Collection method: clinical testing. Allele origin: germline.
Comment: This sequence change replaces alanine, which is neutral and non-polar, with valine, which is neutral and non-polar, at codon 15 of the RP9 protein (p.Ala15Val). The frequency data for this variant in the population databases is considered unreliable, as metrics indicate poor data quality at this position in the gnomAD database. This variant has not been reported in the literature in individuals affected with RP9-related conditions. Algorithms developed to predict the effect of missense changes on protein structure and function output the following: SIFT: "Tolerated"; PolyPhen-2: "Benign"; Align-GVGD: "Class C0". The valine amino acid residue is found in multiple mammalian species, which suggests that this missense change does not adversely affect protein function. In summary, the available evidence is currently insufficient to determine the role of this variant in disease. Therefore, it has been classified as a Variant of Uncertain Significance.

NM_203288.2(RP9):c.44C>T (p.Ala15Val)

Genes: RP9 (RP9 pre-mRNA splicing factor; minus strand), LOC129998225 (ATAC-STARR-seq lymphoblastoid silent region 18090; plus strand). Cytogenetic location: 7p14.3.
Variant type: single nucleotide variant.
Coding change: c.44C>T on transcript NM_203288.2 (MANE Select); coding-DNA position 44, C replaced by T.
Protein change: p.Ala15Val; replaces alanine 15 with valine.
Molecular consequence: missense variant.
Genome position (GRCh38, 1-based): chr7:33,109,329, G>A on the plus strand (C>T on the coding strand, the complement: RP9 is on the minus strand). VCF-style: chr7-33109329-G-A. GRCh37 (hg19) VCF-style: chr7-33148941-G-A.
Other names: short protein forms A15V.
Identifiers: ClinVar variation 1918615 (VCV001918615.5), dbSNP rs1179597472, ClinGen allele CA367185401.